The following is an entry in ClinVar:

NM_000526.5(KRT14):c.1261G>A (p.Gly421Ser)

Gene: KRT14 (keratin 14; minus strand). Cytogenetic location: 17q21.2.
Variant type: single nucleotide variant.
Coding change: c.1261G>A on transcript NM_000526.5 (MANE Select); coding-DNA position 1261, G replaced by A.
Protein change: p.Gly421Ser; replaces glycine 421 with serine.
Molecular consequence: missense variant.
Genome position (GRCh38, 1-based): chr17:41,583,248, C>T on the plus strand (G>A on the coding strand, the complement: KRT14 is on the minus strand). VCF-style: chr17-41583248-C-T. GRCh37 (hg19) VCF-style: chr17-39739500-C-T.
Other names: short protein forms G421S.
Identifiers: ClinVar variation 3357964 (VCV003357964.1).

ClinVar aggregate classification (germline): Uncertain significance (0 of 4 stars; one submission).

Conditions:
KRT14-related disorder. Also called: KRT14-related condition.

Submission:

PreventionGenetics, part of Exact Sciences
Classification: Uncertain significance for KRT14-related condition. Last evaluated: 2024-07-24. Review status: no assertion criteria provided. Collection method: clinical testing. Allele origin: germline.
Comment: The KRT14 c.1261G>A variant is predicted to result in the amino acid substitution p.Gly421Ser. To our knowledge, this variant has not been reported in the literature. This variant is reported in 0.0087% of alleles in individuals of Latino descent in gnomAD. At this time, the clinical significance of this variant is uncertain due to the absence of conclusive functional and genetic evidence.